The following is an entry in ClinVar:

ClinVar aggregate classification (germline): Uncertain significance (1 of 4 stars; one submission).

Conditions:
CASR-related disorder. Also called: CASR-related condition.

Submission:

PreventionGenetics, part of Exact Sciences
Classification: Uncertain significance for CASR-related condition. Last evaluated: 2023-10-03. Review status: criteria provided, single submitter. Criteria: ACMG Guidelines, 2015. Collection method: clinical testing. Allele origin: germline.
Comment: The CASR c.64C>T variant is predicted to result in the amino acid substitution p.Pro22Ser. To our knowledge, this variant has not been reported in the literature or in a large population database, indicating this variant is rare. At this time, the clinical significance of this variant is uncertain due to the absence of conclusive functional and genetic evidence.

NM_000388.4(CASR):c.64C>T (p.Pro22Ser)

Gene: CASR (calcium sensing receptor; plus strand). Cytogenetic location: 3q21.1.
Variant type: single nucleotide variant.
Coding change: c.64C>T on transcript NM_000388.4 (MANE Select); coding-DNA position 64, C replaced by T.
Protein change: p.Pro22Ser; replaces proline 22 with serine.
Molecular consequence: missense variant.
Genome position (GRCh38, 1-based): chr3:122,254,253, C>T. VCF-style: chr3-122254253-C-T. GRCh37 (hg19) VCF-style: chr3-121973100-C-T.
Other names: c.64C>T, p.Pro22Ser (NM_001178065.2); short protein forms P22S.
Identifiers: ClinVar variation 2633924 (VCV002633924.1), dbSNP rs2473205246, ClinGen allele CA354362054.